The following is an entry in ClinVar:

ClinVar aggregate classification (germline): Uncertain significance. Review status: criteria provided, multiple submitters, no conflicts (2 of 4 stars). 2 submissions from 2 submitters: Uncertain significance (2). Last evaluated 2023-11-14.

Allele frequency attached by ClinVar (database versions not stated): ExAC 0.00003; gnomAD 0.00005; ESP Exome Variant Server 0.00008; TOPMed 0.00017; 1000 Genomes Project 0.00020; 1000 Genomes Project 30x 0.00031.
gnomAD v4.1: 59 of 1,614,030 alleles (0.0037%); highest among the groups gnomAD compares: Middle Eastern, 0.082%; no homozygotes.

Submissions (2):

Ambry Genetics
Classification: Uncertain significance. Last evaluated: 2023-11-14. Review status: criteria provided, single submitter. Criteria: Ambry Variant Classification Scheme 2023. Collection method: clinical testing. Allele origin: germline.

GeneDx
Classification: Uncertain significance. Last evaluated: 2022-03-08. Review status: criteria provided, single submitter. Criteria: GeneDx Variant Classification Process June 2021. Collection method: clinical testing. Allele origin: germline. Affected: yes.
Comment: In silico analysis supports that this missense variant does not alter protein structure/function; Has not been previously published as pathogenic or benign to our knowledge; Variants in candidate genes are classified as variants of uncertain significance in accordance with ACMG guidelines (Richards et al., 2015)

NM_018897.3(DNAH7):c.5651G>A (p.Arg1884Gln)

Gene: DNAH7 (dynein axonemal heavy chain 7; minus strand). Cytogenetic location: 2q32.3.
Variant type: single nucleotide variant.
Coding change: c.5651G>A on transcript NM_018897.3 (MANE Select); coding-DNA position 5651, G replaced by A.
Protein change: p.Arg1884Gln; replaces arginine 1884 with glutamine.
Molecular consequence: missense variant.
Genome position (GRCh38, 1-based): chr2:195,884,697, C>T on the plus strand (G>A on the coding strand, the complement: DNAH7 is on the minus strand). VCF-style: chr2-195884697-C-T. GRCh37 (hg19) VCF-style: chr2-196749421-C-T.
Other names: short protein forms R1884Q.
Identifiers: ClinVar variation 3084115 (VCV003084115.2), dbSNP rs201751336, ClinGen allele CA2035333.